The following is an entry in ClinVar:

ClinVar aggregate classification (germline): Uncertain significance (1 of 4 stars; one submission).

gnomAD v4.1: 2 of 1,613,590 alleles (0.00012%); highest among the groups gnomAD compares: Non-Finnish European, 0.00017%; no homozygotes.

Submission:

CeGaT Center for Human Genetics Tuebingen
Classification: Uncertain significance. Last evaluated: 2022-06-01. Review status: criteria provided, single submitter. Criteria: CeGaT Center For Human Genetics Tuebingen Variant Classification Criteria Version 2. Collection method: clinical testing. Allele origin: germline. Affected: yes. Observed: 1 variant allele.
Comment: SCN3A: PM2, BP5

NM_006922.4(SCN3A):c.3586C>T (p.Arg1196Ter)

Gene: SCN3A (sodium voltage-gated channel alpha subunit 3; minus strand). Cytogenetic location: 2q24.3.
Variant type: single nucleotide variant.
Coding change: c.3586C>T on transcript NM_006922.4 (MANE Select); coding-DNA position 3586, C replaced by T.
Protein change: p.Arg1196Ter; replaces arginine 1196 with a stop codon.
Molecular consequence: nonsense.
Genome position (GRCh38, 1-based): chr2:165,113,899, G>A on the plus strand (C>T on the coding strand, the complement: SCN3A is on the minus strand). VCF-style: chr2-165113899-G-A. GRCh37 (hg19) VCF-style: chr2-165970409-G-A.
Other names: c.3439C>T, p.Arg1147Ter (NM_001081676.2, NM_001081677.2); short protein forms R1147*, R1196*.
Identifiers: ClinVar variation 1694971 (VCV001694971.31), dbSNP rs1553520070, ClinGen allele CA349033774.